The following is an entry in ClinVar:

ClinVar aggregate classification (germline): Likely benign. Review status: criteria provided, multiple submitters, no conflicts (2 of 4 stars). 2 submissions from 2 submitters: Likely benign (2). Last evaluated 2023-04-03.

Conditions:
Hereditary cancer-predisposing syndrome. Also called: Neoplastic Syndromes, Hereditary; Tumor predisposition; Hereditary Cancer Syndrome; Hereditary neoplastic syndrome. Identifiers: Orphanet 140162, MedGen C0027672, MeSH D009386, MONDO:0015356.

Submissions (2):

Ambry Genetics
Classification: Likely benign for Hereditary cancer-predisposing syndrome. Last evaluated: 2023-04-03. Review status: criteria provided, single submitter. Criteria: Ambry Variant Classification Scheme 2023. Collection method: clinical testing. Allele origin: germline.

CeGaT Center for Human Genetics Tuebingen
Classification: Likely benign. Last evaluated: 2022-12-01. Review status: criteria provided, single submitter. Criteria: CeGaT Center For Human Genetics Tuebingen Variant Classification Criteria Version 2. Collection method: clinical testing. Allele origin: germline. Affected: yes. Observed: 1 variant allele.
Comment: ALK: PM2:Supporting, BP4, BP7

NM_004304.5(ALK):c.954C>G (p.Gly318=)

Gene: ALK (ALK receptor tyrosine kinase; minus strand). Cytogenetic location: 2p23.2.
Variant type: single nucleotide variant.
Coding change: c.954C>G on transcript NM_004304.5 (MANE Select); coding-DNA position 954, C replaced by G.
Protein change: p.Gly318=; no amino-acid change (glycine 318 retained).
Molecular consequence: synonymous variant.
Genome position (GRCh38, 1-based): chr2:29,532,115, G>C on the plus strand (C>G on the coding strand, the complement: ALK is on the minus strand). VCF-style: chr2-29532115-G-C. GRCh37 (hg19) VCF-style: chr2-29754981-G-C.
Identifiers: ClinVar variation 2561060 (VCV002561060.26), dbSNP rs1045878688, ClinGen allele CA425518769.
Genomic context (GRCh38, chr2:29,532,115, plus strand): 5'-CATCCACGGACTCAGGATGGTGTGCTTGGAGTCAGCTGAGGTGTTGAGAAGGAGAAAGGA[G>C]CCTGGAAAGAGACAGGGAAAACGAATCTGCAGATGTGTTCAGGTAAGACCAGCAGTAGCT-3'
Protein context (NP_004295.2, residues 308-328): GAERSKEMPR[Gly318=]SFLLLNTSAD